The following is an entry in ClinVar:

NC_012920.1(MT-ATP8):m.8552T>C

Genes: MT-ATP8 (mitochondrially encoded ATP synthase 8; plus strand), MT-ATP6 (mitochondrially encoded ATP synthase 6; plus strand).
Variant type: single nucleotide variant.
Genome position: chrM-8552-T-C.
Identifiers: ClinVar variation 692898 (VCV000692898.1), dbSNP rs1603221582, ClinGen allele CA414796648.

ClinVar aggregate classification (germline): Benign (1 of 4 stars; one submission).

Conditions:
Leigh syndrome (NULS). Also called: Leigh's necrotizing encephalopathy; Leigh's disease; Leigh Syndrome (mtDNA deletion); Leigh Disease; Subacute necrotizing encephalopathy; Necrotizing encephalopathy infantile subacute of Leigh. Identifiers: Orphanet 506, MedGen C2931891, MONDO:0009723, OMIM 256000.

Submission:

Wong Mito Lab, Molecular and Human Genetics, Baylor College of Medicine
Classification: Benign for Leigh syndrome. Last evaluated: 2019-10-17. Review status: criteria provided, single submitter. Criteria: Modified ACMG Guidelines (Unpublished). Collection method: clinical testing. Allele origin: germline.
Comment: The NC_012920.1:m.8552T>C (YP_003024031.1:p.Phe9Ser) variant in MTATP6 gene (also (YP_003024030.1:p.Ser63Pro) variant in MTATP8 gene) is interpretated to be a Benign variant based on the modified ACMG guidelines (unpublished). This variant meets the following evidence codes: BS1, BS4